The following is an entry in ClinVar:

ClinVar aggregate classification (germline): Uncertain significance. Review status: criteria provided, multiple submitters, no conflicts (2 of 4 stars). 2 submissions from 2 submitters: Uncertain significance (2). Last evaluated 2021-03-24.

Conditions:
Mendelian susceptibility to mycobacterial diseases due to complete IL12RB1 deficiency. Also called: IL12RB1 DEFICIENCY; Immunodeficiency 30. Identifiers: Orphanet 319552, MedGen C4013949, MONDO:0013955, OMIM 614891.

Allele frequency attached by ClinVar (database versions not stated): TOPMed 0.00003; ExAC 0.00003; 1000 Genomes Project 30x 0.00016; 1000 Genomes Project 0.00020.
gnomAD v4.1: 90 of 1,610,924 alleles (0.0056%); highest among the groups gnomAD compares: East Asian, 0.16%; no homozygotes.

Submissions (2):

Labcorp Genetics (formerly Invitae), Labcorp
Classification: Uncertain significance for Mendelian susceptibility to mycobacterial diseases due to complete IL12RB1 deficiency. Last evaluated: 2021-03-24. Review status: criteria provided, single submitter. Criteria: Invitae Variant Classification Sherloc (09022015). Collection method: clinical testing. Allele origin: germline.
Comment: In summary, the available evidence is currently insufficient to determine the role of this variant in disease. Therefore, it has been classified as a Variant of Uncertain Significance. Algorithms developed to predict the effect of missense changes on protein structure and function output the following: SIFT: "Tolerated"; PolyPhen-2: "Probably Damaging"; Align-GVGD: "Class C0". The leucine amino acid residue is found in multiple mammalian species, suggesting that this missense change does not adversely affect protein function. These predictions have not been confirmed by published functional studies and their clinical significance is uncertain. This variant has not been reported in the literature in individuals with IL12RB1-related conditions. ClinVar contains an entry for this variant (Variation ID: 890109). This variant is present in population databases (rs17884651, ExAC 0.03%). This sequence change replaces proline with leucine at codon 3 of the IL12RB1 protein (p.Pro3Leu). The proline residue is weakly conserved and there is a moderate physicochemical difference between proline and leucine.

Illumina Laboratory Services, Illumina
Classification: Uncertain significance for Mendelian susceptibility to mycobacterial diseases due to complete IL12RB1 deficiency. Last evaluated: 2018-01-12. Review status: criteria provided, single submitter. Criteria: ICSL Variant Classification Criteria 13 December 2019. Collection method: clinical testing. Allele origin: germline.

NM_005535.3(IL12RB1):c.8C>T (p.Pro3Leu)

Gene: IL12RB1 (interleukin 12 receptor subunit beta 1; minus strand). Cytogenetic location: 19p13.11.
Variant type: single nucleotide variant.
Coding change: c.8C>T on transcript NM_005535.3 (MANE Select); coding-DNA position 8, C replaced by T.
Protein change: p.Pro3Leu; replaces proline 3 with leucine.
Molecular consequence: missense variant.
Genome position (GRCh38, 1-based): chr19:18,086,816, G>A on the plus strand (C>T on the coding strand, the complement: IL12RB1 is on the minus strand). VCF-style: chr19-18086816-G-A. GRCh37 (hg19) VCF-style: chr19-18197626-G-A.
Other names: c.8C>T, p.Pro3Leu (NM_001290023.2, NM_153701.3); c.128C>T, p.Pro43Leu (NM_001290024.2); short protein forms P43L, P3L.
Identifiers: ClinVar variation 890109 (VCV000890109.9), dbSNP rs17884651, ClinGen allele CA9305398.
Genomic context (GRCh38, chr19:18,086,816, plus strand): 5'-TCACCGCCCTGCCTGGACAGCAGGAAGAGGAAGAGGAGGGGGACCACCCAGGTCACCAGC[G>A]GCTCCATCGGATCCACGTAGAGCCCCACAGCCCCAGGGGAGCCTCTCTGCCACCTGCGAG-3'
Protein context (NP_005526.1, residues 1-13): ME[Pro3Leu]LVTWVVPLLF